The following is an entry in ClinVar:

ClinVar aggregate classification (germline): Uncertain significance (1 of 4 stars; one submission).

Submission:

Labcorp Genetics (formerly Invitae), Labcorp
Classification: Uncertain significance. Last evaluated: 2022-06-19. Review status: criteria provided, single submitter. Criteria: Invitae Variant Classification Sherloc (09022015). Collection method: clinical testing. Allele origin: germline.
Comment: In summary, the available evidence is currently insufficient to determine the role of this variant in disease. Therefore, it has been classified as a Variant of Uncertain Significance. Algorithms developed to predict the effect of missense changes on protein structure and function (SIFT, PolyPhen-2, Align-GVGD) all suggest that this variant is likely to be tolerated. This variant has not been reported in the literature in individuals affected with PLAA-related conditions. This variant is not present in population databases (gnomAD no frequency). This sequence change replaces serine, which is neutral and polar, with cysteine, which is neutral and slightly polar, at codon 423 of the PLAA protein (p.Ser423Cys).

NM_001031689.3(PLAA):c.1267A>T (p.Ser423Cys)

Gene: PLAA (phospholipase A2 activating protein; minus strand). Cytogenetic location: 9p21.2.
Variant type: single nucleotide variant.
Coding change: c.1267A>T on transcript NM_001031689.3 (MANE Select); coding-DNA position 1267, A replaced by T.
Protein change: p.Ser423Cys; replaces serine 423 with cysteine.
Molecular consequence: missense variant.
Genome position (GRCh38, 1-based): chr9:26,919,460, T>A on the plus strand (A>T on the coding strand, the complement: PLAA is on the minus strand). VCF-style: chr9-26919460-T-A. GRCh37 (hg19) VCF-style: chr9-26919458-T-A.
Other names: c.1267A>T, p.Ser423Cys (NM_001321546.2); short protein forms S423C.
Identifiers: ClinVar variation 2008406 (VCV002008406.4), dbSNP rs2489187055, ClinGen allele CA373132196.